The following is an entry in ClinVar:

NM_004304.5(ALK):c.3941C>T (p.Ser1314Phe)

Gene: ALK (ALK receptor tyrosine kinase; minus strand). Cytogenetic location: 2p23.2.
Variant type: single nucleotide variant.
Coding change: c.3941C>T on transcript NM_004304.5 (MANE Select); coding-DNA position 3941, C replaced by T.
Protein change: p.Ser1314Phe; replaces serine 1314 with phenylalanine.
Molecular consequence: missense variant.
Genome position (GRCh38, 1-based): chr2:29,197,674, G>A on the plus strand (C>T on the coding strand, the complement: ALK is on the minus strand). VCF-style: chr2-29197674-G-A. GRCh37 (hg19) VCF-style: chr2-29420540-G-A.
Other names: c.737C>T, p.Ser246Phe (NM_001353765.2); short protein forms S1314F, S246F.
Identifiers: ClinVar variation 4271236 (VCV004271236.1).

ClinVar aggregate classification (germline): Uncertain significance (1 of 4 stars; one submission).

Conditions:
Hereditary cancer-predisposing syndrome. Also called: Hereditary Cancer Syndrome; Hereditary neoplastic syndrome; Neoplastic Syndromes, Hereditary; Tumor predisposition. Identifiers: Orphanet 140162, MedGen C0027672, MeSH D009386, MONDO:0015356.

Submission:

Ambry Genetics
Classification: Uncertain significance for Hereditary cancer-predisposing syndrome. Last evaluated: 2025-07-28. Review status: criteria provided, single submitter. Criteria: Ambry Variant Classification Scheme 2023. Collection method: clinical testing. Allele origin: germline.
Comment: The p.S1314F variant (also known as c.3941C>T), located in coding exon 27 of the ALK gene, results from a C to T substitution at nucleotide position 3941. The serine at codon 1314 is replaced by phenylalanine, an amino acid with highly dissimilar properties. This amino acid position is conserved. In addition, this alteration is predicted to be deleterious by in silico analysis. Based on the available evidence, the clinical significance of this variant remains unclear.